The following is an entry in ClinVar:

NM_001267550.2(TTN):c.33501AGA[4] (p.Glu11172del)

Gene: TTN (titin; minus strand). Cytogenetic location: 2q31.2.
Variant type: Microsatellite.
Coding change: c.33501AGA[4] on transcript NM_001267550.2 (MANE Select); four copies in a row of the 3-base unit AGA starting at c.33501; the reference has five copies in a row; one copy, 3 bases deleted.
Protein change: p.Glu11172del; deletes glutamic acid 11172.
Molecular consequence: inframe deletion. On other transcripts: intron variant (3).
Genome position (GRCh38, 1-based): chr2:178,679,959-178,679,961, TCT deleted on the plus strand (AGA on the coding strand, the reverse complement: TTN is on the minus strand); deleting any 3 consecutive bases within chr2:178,679,959-178,679,973 gives the same sequence; the position shown is the placement nearest the transcript's 3' end. VCF-style (leftmost placement, unchanged base first): chr2-178679958-CTCT-C. GRCh37 (hg19) VCF-style: chr2-179544685-CTCT-C.
Other names: c.32562_32564delAGA (NM_001256850.1); c.29781_29783delAGA (NM_133378.4); c.32562_32564del (NM_001256850.1); c.29781_29783del (NM_133378.4); c.32550AGA[4], p.Glu10855del (NM_001256850.1); c.29769AGA[4], p.Glu9928del (NM_133378.4); c.13283-37656AGA[4] (NM_003319.4); c.13859-37656AGA[4] (NM_133437.4); and 1 more; short protein forms E11172del, E9928del, E10855del.
Identifiers: ClinVar variation 191993 (VCV000191993.54), dbSNP rs368327166, ClinGen allele CA238048.

ClinVar aggregate classification (germline): Conflicting classifications of pathogenicity. Review status: criteria provided, conflicting classifications (1 of 4 stars). 9 submissions from 9 submitters: Uncertain significance (5); Likely benign (2). 2 of the submissions do not count toward it. Last evaluated 2026-08-01.

Submissions (9):

CeGaT Center for Human Genetics Tuebingen
Classification: Uncertain significance. Last evaluated: 2026-08-01. Review status: criteria provided, single submitter. Criteria: CeGaT Center For Human Genetics Tuebingen Variant Classification Criteria Version 2. Collection method: clinical testing. Allele origin: germline. Affected: yes. Observed: 2 variant alleles.
Comment: TTN: PM4:Supporting

Women's Health and Genetics/Laboratory Corporation of America, LabCorp
Classification: Uncertain significance. Last evaluated: 2024-01-02. Review status: criteria provided, single submitter. Criteria: LabCorp Variant Classification Summary - May 2015. Collection method: clinical testing. Allele origin: germline.
Comment: Variant summary: TTN c.29781_29783delAGA (p.Glu9928del) results in an in-frame deletion that is predicted to remove one amino acid from the I-band region of the encoded protein. The variant allele was found at a frequency of 0.00012 in 248470 control chromosomes (gnomAD). This frequency is not significantly higher than estimated for a pathogenic variant in TTN causing Dilated Cardiomyopathy (0.00012 vs 0.00039), allowing no conclusion about variant significance. c.29781_29783delAGA has been reported in the literature in a cohort of individuals with a spectrum of coronary artery disease risk (Ng_2013), however without strong evidence for causality (e.g., lack of clinical and co-segregation data). This report therefore does not provide unequivocal conclusions about association of the variant with Dilated Cardiomyopathy. To our knowledge, no experimental evidence demonstrating an impact on protein function has been reported. The following publication was ascertained in the context of this evaluation (PMID: 23861362). Four submitters have reported clinical-significance assessments for this variant to ClinVar after 2014 with conflicting interpretations (VUS, n = 3; likely benign, n = 1). Based on the evidence outlined above, the variant was classified as uncertain significance.

Blueprint Genetics
Classification: Likely benign. Last evaluated: 2023-12-13. Review status: criteria provided, single submitter. Criteria: ACMG Guidelines, 2015. Collection method: clinical testing. Allele origin: germline.

Revvity Omics, Revvity
Classification: Uncertain significance. Last evaluated: 2023-03-23. Review status: criteria provided, single submitter. Criteria: ACMG Guidelines, 2015. Collection method: clinical testing. Allele origin: germline.

GeneDx
Classification: Likely benign. Last evaluated: 2020-11-19. Review status: criteria provided, single submitter. Criteria: GeneDx Variant Classification Process June 2021. Collection method: clinical testing. Allele origin: germline. Affected: yes.
Comment: This variant is associated with the following publications: (PMID: 23861362)

Eurofins Ntd Llc (ga)
Classification: Uncertain significance. Last evaluated: 2017-02-08. Review status: criteria provided, single submitter. Criteria: EGL Classification Definitions 2015. Collection method: clinical testing. Allele origin: germline. Observed: 5 variant alleles, 3 heterozygotes.

Biesecker Lab/Clinical Genomics Section, National Institutes of Health
Classification: Uncertain significance. Last evaluated: 2013-06-24. Review status: criteria provided, single submitter. Criteria: Ng et al. (Circ Cardiovasc Genet. 2013). Collection method: research. Allele origin: unknown. Observed: 1 variant allele. Study: ClinSeq.
Comment: The study set was not selected for affection status in relation to any cancer. Pathogenicity categories were based on literature curation. See Pubmed ID:23861362 for details.

Medical sequencing

Clinical Genetics, Academic Medical Center
Classification: Uncertain significance. Review status: no assertion criteria provided. Collection method: clinical testing. Allele origin: germline. Affected: yes. Study: VKGL Data-share Consensus. Not counted in ClinVar's aggregate classification.

Laboratory of Diagnostic Genome Analysis, Leiden University Medical Center (LUMC)
Classification: Uncertain significance. Review status: no assertion criteria provided. Collection method: clinical testing. Allele origin: germline. Affected: yes. Study: VKGL Data-share Consensus. Not counted in ClinVar's aggregate classification.

Literature cited by the submitters: PubMed 23861362 (cited by Women's Health and Genetics/Laboratory Corporation of America, LabCorp).